The following is an entry in ClinVar:

NM_005144.5(HR):c.184C>A (p.Pro62Thr)

Gene: HR (HR lysine demethylase and nuclear receptor corepressor; minus strand). Cytogenetic location: 8p21.3.
Variant type: single nucleotide variant.
Coding change: c.184C>A on transcript NM_005144.5 (MANE Select); coding-DNA position 184, C replaced by A.
Protein change: p.Pro62Thr; replaces proline 62 with threonine.
Molecular consequence: missense variant.
Genome position (GRCh38, 1-based): chr8:22,128,987, G>T on the plus strand (C>A on the coding strand, the complement: HR is on the minus strand). VCF-style: chr8-22128987-G-T. GRCh37 (hg19) VCF-style: chr8-21986500-G-T.
Other names: c.184C>A, p.Pro62Thr (NM_018411.4); short protein forms P62T.
Identifiers: ClinVar variation 362530 (VCV000362530.10), dbSNP rs137929972, ClinGen allele CA4662770.

ClinVar aggregate classification (germline): Uncertain significance. Review status: criteria provided, multiple submitters, no conflicts (2 of 4 stars). 4 submissions from 3 submitters: Uncertain significance (4). Last evaluated 2025-03-05.

Conditions:
Atrichia with papular lesions (APL). Also called: PAPULAR ATRICHIA. Identifiers: Orphanet 86819, MedGen C1859592, MONDO:0008847, OMIM 209500.
Alopecia universalis congenita (ALUNC). Also called: ATRICHIA, GENERALIZED. Identifiers: Orphanet 701, MedGen C1859877, MONDO:0008757, OMIM 203655.

Allele frequency attached by ClinVar (database versions not stated): 1000 Genomes Project 30x 0.00016; 1000 Genomes Project 0.00020; ExAC 0.00044; ESP Exome Variant Server 0.00046; TOPMed 0.00048; gnomAD 0.00053.
gnomAD v4.1: 1,085 of 1,613,202 alleles (0.067%); highest among the groups gnomAD compares: Non-Finnish European, 0.085%; 1 homozygote.

Submissions (4):

Labcorp Genetics (formerly Invitae), Labcorp
Classification: Uncertain significance. Last evaluated: 2025-03-05. Review status: criteria provided, single submitter. Criteria: Invitae Variant Classification Sherloc (09022015). Collection method: clinical testing. Allele origin: germline.
Comment: This sequence change replaces proline, which is neutral and non-polar, with threonine, which is neutral and polar, at codon 62 of the HR protein (p.Pro62Thr). This variant is present in population databases (rs137929972, gnomAD 0.09%), and has an allele count higher than expected for a pathogenic variant. This variant has not been reported in the literature in individuals affected with HR-related conditions. ClinVar contains an entry for this variant (Variation ID: 362530). An algorithm developed to predict the effect of missense changes on protein structure and function outputs the following: PolyPhen-2: "Benign". The threonine amino acid residue is found in multiple mammalian species, which suggests that this missense change does not adversely affect protein function. In summary, the available evidence is currently insufficient to determine the role of this variant in disease. Therefore, it has been classified as a Variant of Uncertain Significance.

Department of Pathology and Laboratory Medicine, Sinai Health System
Classification: Uncertain significance for Alopecia universalis congenita; Atrichia with papular lesions. Last evaluated: 2021-09-26. Review status: criteria provided, single submitter. Criteria: ACMG Guidelines, 2015. Collection method: research. Allele origin: germline.

Illumina Laboratory Services, Illumina
Classification: Uncertain significance for Alopecia universalis congenita. Last evaluated: 2018-01-13. Review status: criteria provided, single submitter. Criteria: ICSL Variant Classification Criteria 13 December 2019. Collection method: clinical testing. Allele origin: germline.

Illumina Laboratory Services, Illumina
Classification: Uncertain significance for Atrichia with papular lesions. Last evaluated: 2018-01-13. Review status: criteria provided, single submitter. Criteria: ICSL Variant Classification Criteria 13 December 2019. Collection method: clinical testing. Allele origin: germline.